The following is an entry in ClinVar:

ClinVar aggregate classification (germline): Uncertain significance (1 of 4 stars; one submission).

Allele frequency attached by ClinVar (database versions not stated): TOPMed 0.00001; gnomAD 0.00002; gnomAD exomes 0.00002; ExAC 0.00003.
gnomAD v4.1: 7 of 1,613,500 alleles (0.00043%); highest among the groups gnomAD compares: African/African-American, 0.0094%; no homozygotes.

Submission:

Labcorp Genetics (formerly Invitae), Labcorp
Classification: Uncertain significance. Last evaluated: 2024-02-24. Review status: criteria provided, single submitter. Criteria: Invitae Variant Classification Sherloc (09022015). Collection method: clinical testing. Allele origin: germline.
Comment: This sequence change replaces serine, which is neutral and polar, with threonine, which is neutral and polar, at codon 1222 of the CNGB1 protein (p.Ser1222Thr). This variant is present in population databases (rs772230733, gnomAD 0.03%). This variant has not been reported in the literature in individuals affected with CNGB1-related conditions. ClinVar contains an entry for this variant (Variation ID: 1490653). Advanced modeling of protein sequence and biophysical properties (such as structural, functional, and spatial information, amino acid conservation, physicochemical variation, residue mobility, and thermodynamic stability) performed at Invitae indicates that this missense variant is not expected to disrupt CNGB1 protein function with a negative predictive value of 95%. In summary, the available evidence is currently insufficient to determine the role of this variant in disease. Therefore, it has been classified as a Variant of Uncertain Significance.

NM_001297.5(CNGB1):c.3664T>A (p.Ser1222Thr)

Gene: CNGB1 (cyclic nucleotide gated channel subunit beta 1; minus strand). Cytogenetic location: 16q21.
Variant type: single nucleotide variant.
Coding change: c.3664T>A on transcript NM_001297.5 (MANE Select); coding-DNA position 3664, T replaced by A.
Protein change: p.Ser1222Thr; replaces serine 1222 with threonine.
Molecular consequence: missense variant.
Genome position (GRCh38, 1-based): chr16:57,884,256, A>T on the plus strand (T>A on the coding strand, the complement: CNGB1 is on the minus strand). VCF-style: chr16-57884256-A-T. GRCh37 (hg19) VCF-style: chr16-57918160-A-T.
Other names: c.3646T>A, p.Ser1216Thr (NM_001286130.2); short protein forms S1216T, S1222T.
Identifiers: ClinVar variation 1490653 (VCV001490653.8), dbSNP rs772230733, ClinGen allele CA8082484.